The following is an entry in ClinVar:

ClinVar aggregate classification (germline): Pathogenic (1 of 4 stars; one submission).

Conditions:
Alagille syndrome due to a JAG1 point mutation. Also called: HEPATIC DUCTULAR HYPOPLASIA, SYNDROMATIC; Alagille Syndrome 1; JAG1-Related Alagille Syndrome. Identifiers: Orphanet 261619, Orphanet 52, MedGen C1956125, MONDO:0016862, OMIM 118450.

Submission:

Labcorp Genetics (formerly Invitae), Labcorp
Classification: Pathogenic for Alagille syndrome due to a JAG1 point mutation. Last evaluated: 2021-12-19. Review status: criteria provided, single submitter. Criteria: Invitae Variant Classification Sherloc (09022015). Collection method: clinical testing. Allele origin: unknown.
Comment: For these reasons, this variant has been classified as Pathogenic. This variant disrupts a region of the JAG1 protein in which other variant(s) (p.Ser1075Cysfs*33) have been determined to be pathogenic (PMID: 9700188). This suggests that this is a clinically significant region of the protein, and that variants that disrupt it are likely to be disease-causing. This variant has not been reported in the literature in individuals affected with JAG1-related conditions. This variant is a gross deletion of the genomic region encompassing exon(s) 26 of the JAG1 gene, which includes the termination codon. This deletion extends beyond the assayed region for this gene and therefore may encompass additional genes. While this deletion is not anticipated to lead to nonsense mediated decay, it is expected to alter mRNA translation or result in a truncated protein product.

Literature cited by the submitters: PubMed 9700188.

NC_000020.10:g.(?_10620146)_(10620623_?)del

Gene: JAG1 (jagged canonical Notch ligand 1; minus strand). Cytogenetic location: 20p12.2.
Variant type: Deletion.
Identifiers: ClinVar variation 3248284 (VCV003248284.1).